The following is an entry in ClinVar:

NM_001256715.2(DNAAF3):c.587delinsTGGG (p.His196delinsLeuGly)

Genes: DNAAF3 (dynein axonemal assembly factor 3; minus strand), DNAAF3-AS1 (DNAAF3 antisense RNA 1; plus strand). Cytogenetic location: 19q13.42.
Variant type: Indel.
Coding change: c.587delinsTGGG on transcript NM_001256715.2 (MANE Select); coding-DNA position 587, A replaced by TGGG.
Protein change: p.His196delinsLeuGly.
Molecular consequence: inframe indel.
Genome position (GRCh38, 1-based): chr19:55,161,719, T replaced by CCCA on the plus strand (A replaced by TGGG on the coding strand, the reverse complement: DNAAF3 is on the minus strand). VCF-style: chr19-55161719-T-CCCA. GRCh37 (hg19) VCF-style: chr19-55673087-T-CCCA.
Other names: c.791delinsTGGG, p.His264delinsLeuGly (NM_001256714.1); c.425delinsTGGG, p.His142delinsLeuGly (NM_001256716.2); c.728delinsTGGG, p.His243delinsLeuGly (NM_178837.4).
Identifiers: ClinVar variation 965364 (VCV000965364.6), dbSNP rs2085838084, ClinGen allele CA1139666606.

ClinVar aggregate classification (germline): Uncertain significance (1 of 4 stars; one submission).

Conditions:
Primary ciliary dyskinesia. Also called: Ciliary dyskinesia. Identifiers: Orphanet 244, MedGen C0008780, MONDO:0016575, HP:0012265.

Submission:

Labcorp Genetics (formerly Invitae), Labcorp
Classification: Uncertain significance for Primary ciliary dyskinesia. Last evaluated: 2022-08-10. Review status: criteria provided, single submitter. Criteria: Invitae Variant Classification Sherloc (09022015). Collection method: clinical testing. Allele origin: germline.
Comment: In summary, the available evidence is currently insufficient to determine the role of this variant in disease. Therefore, it has been classified as a Variant of Uncertain Significance. Experimental studies and prediction algorithms are not available or were not evaluated, and the functional significance of this variant is currently unknown. This variant has not been reported in the literature in individuals affected with DNAAF3-related conditions. This variant is not present in population databases (gnomAD no frequency). This variant, c.791delinsTGGG, is a complex sequence change that results in the deletion of 1 and insertion of 2 amino acid(s) in the DNAAF3 protein (p.His264delinsLeuGly).